The following is an entry in ClinVar:

NM_000322.5(PRPH2):c.514C>G (p.Arg172Gly)

Gene: PRPH2 (peripherin 2; minus strand). Cytogenetic location: 6p21.1.
Variant type: single nucleotide variant.
Coding change: c.514C>G on transcript NM_000322.5 (MANE Select); coding-DNA position 514, C replaced by G.
Protein change: p.Arg172Gly; replaces arginine 172 with glycine.
Molecular consequence: missense variant.
Genome position (GRCh38, 1-based): chr6:42,721,821, G>C on the plus strand (C>G on the coding strand, the complement: PRPH2 is on the minus strand). VCF-style: chr6-42721821-G-C. GRCh37 (hg19) VCF-style: chr6-42689559-G-C.
Other names: short protein forms R172G.
Identifiers: ClinVar variation 98675 (VCV000098675.2), dbSNP rs61755792, ClinGen allele CA226246.

ClinVar aggregate classification (germline): Likely pathogenic. Review status: no assertion criteria provided (0 of 4 stars). 2 submissions from 2 submitters: Likely pathogenic (1). 1 of the submissions does not count toward it. Last evaluated 2021-04-06.

Submissions (2):

Leiden Open Variation Database
Classification: Likely pathogenic. Last evaluated: 2021-04-06. Review status: no assertion criteria provided. Collection method: curation. Allele origin: germline. Affected: yes.
Comment: Curator: Global Variome, with Curator vacancy. Submitter to LOVD: Manon Peeters.

Retina International
No classification provided. Review status: no classification provided. Collection method: not provided. Allele origin: not provided. Not counted in ClinVar's aggregate classification.

Literature cited by the submitters: PubMed 93251036 (cited by Leiden Open Variation Database).